The following is an entry in ClinVar:

ClinVar aggregate classification (germline): Uncertain significance. Review status: criteria provided, multiple submitters, no conflicts (2 of 4 stars). 2 submissions from 2 submitters: Uncertain significance (2). Last evaluated 2025-10-20.

Allele frequency attached by ClinVar (database versions not stated): TOPMed 0.00001; ExAC 0.00002; gnomAD exomes 0.00002; gnomAD 0.00003.
gnomAD v4.1: 17 of 1,614,096 alleles (0.0011%); highest among the groups gnomAD compares: East Asian, 0.0045%; no homozygotes.

Submissions (2):

Labcorp Genetics (formerly Invitae), Labcorp
Classification: Uncertain significance. Last evaluated: 2025-10-20. Review status: criteria provided, single submitter. Criteria: Invitae Variant Classification Sherloc (09022015). Collection method: clinical testing. Allele origin: germline.
Comment: This sequence change replaces alanine, which is neutral and non-polar, with valine, which is neutral and non-polar, at codon 118 of the CAPN5 protein (p.Ala118Val). This variant is present in population databases (rs782178755, gnomAD 0.006%). This variant has not been reported in the literature in individuals affected with CAPN5-related conditions. ClinVar contains an entry for this variant (Variation ID: 1057913). Invitae Evidence Modeling of protein sequence and biophysical properties (such as structural, functional, and spatial information, amino acid conservation, physicochemical variation, residue mobility, and thermodynamic stability) indicates that this missense variant is not expected to disrupt CAPN5 protein function with a negative predictive value of 80%. In summary, the available evidence is currently insufficient to determine the role of this variant in disease. Therefore, it has been classified as a Variant of Uncertain Significance.

Breakthrough Genomics
Classification: Uncertain significance. Review status: criteria provided, single submitter. Criteria: ACMG Guidelines, 2015. Collection method: not provided. Allele origin: germline. Inheritance: Autosomal dominant inheritance. Affected: yes.

NM_004055.5(CAPN5):c.353C>T (p.Ala118Val)

Gene: CAPN5 (calpain 5; plus strand). Cytogenetic location: 11q13.5.
Variant type: single nucleotide variant.
Coding change: c.353C>T on transcript NM_004055.5 (MANE Select); coding-DNA position 353, C replaced by T.
Protein change: p.Ala118Val; replaces alanine 118 with valine.
Molecular consequence: missense variant.
Genome position (GRCh38, 1-based): chr11:77,112,644, C>T. VCF-style: chr11-77112644-C-T. GRCh37 (hg19) VCF-style: chr11-76823690-C-T.
Other names: short protein forms A118V.
Identifiers: ClinVar variation 1057913 (VCV001057913.10), dbSNP rs782178755, ClinGen allele CA6196420.
Genomic context (GRCh38, chr11:77,112,644, plus strand): 5'-CCCAGGTCATCCCAGACTGGAAGGAGCAGGAATGGGACCCCGAAAAGCCCAACGCCTACG[C>T]GGGCATCTTCCACTTCCACTTCTGGCGCTTCGGGGAATGGGTGGACGTGGTCATCGATGA-3'
Protein context (NP_004046.2, residues 108-128): EWDPEKPNAY[Ala118Val]GIFHFHFWRF